The following is an entry in ClinVar:

ClinVar aggregate classification (germline): Conflicting classifications of pathogenicity. Review status: criteria provided, conflicting classifications (1 of 4 stars). 5 submissions from 5 submitters: Uncertain significance (1); Likely benign (4). Last evaluated 2025-10-23.

Conditions:
NBEAL2-related disorder. Also called: NBEAL2-related condition.
Gray platelet syndrome (GPS). Also called: BLEEDING DISORDER, PLATELET-TYPE, 4. Identifiers: Orphanet 721, MedGen C0272302, MONDO:0007686, OMIM 139090.

Allele frequency attached by ClinVar (database versions not stated): gnomAD exomes 0.00141 and 0.00210; TOPMed 0.00144; gnomAD 0.00148 and 0.00156; ESP Exome Variant Server 0.00197; ExAC 0.00235.
gnomAD v4.1: 3,243 of 1,594,400 alleles (0.2%); highest among the groups gnomAD compares: Non-Finnish European, 0.25%; 7 homozygotes.

Submissions (13):

Mayo Clinic Laboratories, Mayo Clinic
Classification: Likely benign. Last evaluated: 2025-10-23. Review status: criteria provided, single submitter. Criteria: ACMG Guidelines, 2015. Collection method: clinical testing. Allele origin: germline. Observed: 3 variant alleles.
Comment: BS1, BS2_supporting

Blueprint Genetics
Classification: Likely benign. Last evaluated: 2024-11-15. Review status: criteria provided, single submitter. Criteria: ACMG Guidelines, 2015. Collection method: clinical testing. Allele origin: germline.

PreventionGenetics, part of Exact Sciences
Classification: Uncertain significance for NBEAL2-related condition. Last evaluated: 2023-06-07. Review status: criteria provided, single submitter. Criteria: ACMG Guidelines, 2015. Collection method: clinical testing. Allele origin: germline.
Comment: The NBEAL2 c.3384+5G>A variant is predicted to interfere with splicing. This variant has been reported in the compound heterozygous state in an individual with grey platelet syndrome and interpreted it as likely pathogenic (Saliba et al 2020. PubMed ID: 32567678). This variant is reported in 0.25% of alleles in individuals of European (Non-Finnish) descent in gnomAD. At this time, the clinical significance of this variant is uncertain due to the absence of conclusive functional and genetic evidence.

Labcorp Genetics (formerly Invitae), Labcorp
Classification: Likely benign. Last evaluated: 2019-12-31. Review status: criteria provided, single submitter. Criteria: Invitae Variant Classification Sherloc (09022015). Collection method: clinical testing. Allele origin: germline.

Illumina Laboratory Services, Illumina
Classification: Likely benign for Gray platelet syndrome. Last evaluated: 2018-01-12. Review status: criteria provided, single submitter. Criteria: ICSL Variant Classification Criteria 13 December 2019. Collection method: clinical testing. Allele origin: germline.
Comment: This variant was observed in the ICSL laboratory as part of a predisposition screen in an ostensibly healthy population. It had not been previously curated by ICSL or reported in the Human Gene Mutation Database (HGMD: prior to June 1st, 2018), and was therefore a candidate for classification through an automated scoring system. Utilizing variant allele frequency, disease prevalence and penetrance estimates, and inheritance mode, an automated score was calculated to assess if this variant is too frequent to cause the disease. Based on the score and internal cut-off values, a variant classified as likely benign is not then subjected to further curation. The score for this variant resulted in a classification of likely benign for this disease.

Dr. Peter K. Rogan Lab, Western University
No classification provided (evidence only). Condition: Acute myeloid leukemia. Review status: no classification provided. Collection method: in vitro. Allele origin: not applicable. Functional consequence: retained intron. Not counted in ClinVar's aggregate classification.

Dr. Peter K. Rogan Lab, Western University
No classification provided (evidence only). Condition: Colon adenocarcinoma. Review status: no classification provided. Collection method: in vitro. Allele origin: not applicable. Functional consequence: retained intron. Not counted in ClinVar's aggregate classification.

Dr. Peter K. Rogan Lab, Western University
No classification provided (evidence only). Condition: Sarcoma. Review status: no classification provided. Collection method: in vitro. Allele origin: not applicable. Functional consequence: retained intron. Not counted in ClinVar's aggregate classification.

Dr. Peter K. Rogan Lab, Western University
No classification provided (evidence only). Condition: Ovarian serous cystadenocarcinoma. Review status: no classification provided. Collection method: in vitro. Allele origin: not applicable. Functional consequence: retained intron. Not counted in ClinVar's aggregate classification.

Dr. Peter K. Rogan Lab, Western University
No classification provided (evidence only). Condition: Uveal melanoma. Review status: no classification provided. Collection method: in vitro. Allele origin: not applicable. Functional consequence: retained intron. Not counted in ClinVar's aggregate classification.

Dr. Peter K. Rogan Lab, Western University
No classification provided (evidence only). Condition: Malignant tumor of esophagus. Review status: no classification provided. Collection method: in vitro. Allele origin: not applicable. Functional consequence: retained intron. Not counted in ClinVar's aggregate classification.

Dr. Peter K. Rogan Lab, Western University
No classification provided (evidence only). Condition: Malignant tumor of esophagus. Review status: no classification provided. Collection method: in vitro. Allele origin: not applicable. Functional consequence: retained intron. Not counted in ClinVar's aggregate classification.

Dr. Peter K. Rogan Lab, Western University
No classification provided (evidence only). Condition: Ovarian cancer. Review status: no classification provided. Collection method: in vitro. Allele origin: not applicable. Functional consequence: retained intron. Not counted in ClinVar's aggregate classification.

Literature cited by the submitters: PubMed 32567678 (cited by Mayo Clinic Laboratories, Mayo Clinic).

NM_015175.3(NBEAL2):c.3384+5G>A

Gene: NBEAL2 (neurobeachin like 2; plus strand). Cytogenetic location: 3p21.31.
Variant type: single nucleotide variant.
Coding change: c.3384+5G>A on transcript NM_015175.3 (MANE Select); 5 bases into the intron after coding-DNA position 3384, G replaced by A.
Molecular consequence: intron variant.
Genome position (GRCh38, 1-based): chr3:46,998,884, G>A. VCF-style: chr3-46998884-G-A. GRCh37 (hg19) VCF-style: chr3-47040374-G-A.
Other names: p.?; NC_000003.11:g.47040374G>A; c.3282+5G>A (NM_001365116.2).
Identifiers: ClinVar variation 773441 (VCV000773441.13), dbSNP rs370559049, ClinGen allele CA2360929.